The following is an entry in ClinVar:

ClinVar aggregate classification (germline): Conflicting classifications of pathogenicity. Review status: criteria provided, conflicting classifications (1 of 4 stars). 4 submissions from 4 submitters: Uncertain significance (2); Likely benign (2). Last evaluated 2025-10-10.

Conditions:
TTN-related disorder. Also called: TTN-related disorders; TTN-related condition; TTN-related disease.

Allele frequency attached by ClinVar (database versions not stated): gnomAD 0.00001; gnomAD exomes 0.00001 and 0.00003; ExAC 0.00002; TOPMed 0.00003; ESP Exome Variant Server 0.00017.
gnomAD v4.1: 24 of 1,613,692 alleles (0.0015%); highest among the groups gnomAD compares: East Asian, 0.0067%; no homozygotes.

Submissions (4):

PreventionGenetics, part of Exact Sciences
Classification: Uncertain significance for TTN-related condition. Last evaluated: 2025-10-10. Review status: criteria provided, single submitter. Criteria: ACMG Guidelines, 2015. Collection method: clinical testing. Allele origin: germline.
Comment: The TTN c.101504G>A variant is predicted to result in the amino acid substitution p.Arg33835His. To our knowledge, this variant has not been reported in the literature. This variant is reported in 0.017% of alleles in individuals of African descent in gnomAD. At this time, the clinical significance of this variant is uncertain due to the absence of conclusive functional and genetic evidence.

Revvity Omics, Revvity
Classification: Uncertain significance. Last evaluated: 2025-05-08. Review status: criteria provided, single submitter. Criteria: ACMG Guidelines, 2015. Collection method: clinical testing. Allele origin: germline.

Blueprint Genetics
Classification: Likely benign. Last evaluated: 2024-02-06. Review status: criteria provided, single submitter. Criteria: ACMG Guidelines, 2015. Collection method: clinical testing. Allele origin: germline.

GeneDx
Classification: Likely benign. Last evaluated: 2019-11-27. Review status: criteria provided, single submitter. Criteria: GeneDx Variant Classification Process June 2021. Collection method: clinical testing. Allele origin: germline. Affected: yes.

NM_001267550.2(TTN):c.101504G>A (p.Arg33835His)

Genes: TTN (titin; minus strand), TTN-AS1 (TTN antisense RNA 1; plus strand). Cytogenetic location: 2q31.2.
Variant type: single nucleotide variant.
Coding change: c.101504G>A on transcript NM_001267550.2 (MANE Select); coding-DNA position 101504, G replaced by A.
Protein change: p.Arg33835His; replaces arginine 33835 with histidine.
Molecular consequence: missense variant.
Genome position (GRCh38, 1-based): chr2:178,535,111, C>T on the plus strand (G>A on the coding strand, the complement: TTN is on the minus strand). VCF-style: chr2-178535111-C-T. GRCh37 (hg19) VCF-style: chr2-179399838-C-T.
Other names: c.96581G>A, p.Arg32194His (NM_001256850.1); c.74309G>A, p.Arg24770His (NM_003319.4); c.93800G>A, p.Arg31267His (NM_133378.4); c.74684G>A, p.Arg24895His (NM_133432.3); c.74885G>A, p.Arg24962His (NM_133437.4); short protein forms R24770H, R24895H, R24962H, R31267H, R32194H, R33835H.
Identifiers: ClinVar variation 1201233 (VCV001201233.6), dbSNP rs373854384, ClinGen allele CA1985875.
Genomic context (GRCh38, chr2:178,535,111, plus strand): 5'-GTCCCTTTGACTTTAACAAATTTGGCCATGTATGTCTTCTTTGAGGATGTTTCAACACAA[C>T]GATGGACAATTCCAAACTCACCACGCCCAAGATCTTCAGCAATCATATATTTCTCATAGA-3'
Protein context (NP_001254479.2, residues 33825-33845): LGRGEFGIVH[Arg33835His]CVETSSKKTY